The following is an entry in ClinVar:

NM_152703.5(SAMD9L):c.3558G>C (p.Gln1186His)

Gene: SAMD9L (sterile alpha motif domain containing 9 like; minus strand). Cytogenetic location: 7q21.2.
Variant type: single nucleotide variant.
Coding change: c.3558G>C on transcript NM_152703.5 (MANE Select); coding-DNA position 3558, G replaced by C.
Protein change: p.Gln1186His; replaces glutamine 1186 with histidine.
Molecular consequence: missense variant.
Genome position (GRCh38, 1-based): chr7:93,132,414, C>G on the plus strand (G>C on the coding strand, the complement: SAMD9L is on the minus strand). VCF-style: chr7-93132414-C-G. GRCh37 (hg19) VCF-style: chr7-92761727-C-G.
Other names: c.3558G>C, p.Gln1186His (NM_001350082.2, NM_001350083.2, NM_001350084.2 and 5 more transcripts); short protein forms Q1186H.
Identifiers: ClinVar variation 3659032 (VCV003659032.2).

ClinVar aggregate classification (germline): Uncertain significance (1 of 4 stars; one submission).

Submission:

Labcorp Genetics (formerly Invitae), Labcorp
Classification: Uncertain significance. Last evaluated: 2024-07-08. Review status: criteria provided, single submitter. Criteria: Invitae Variant Classification Sherloc (09022015). Collection method: clinical testing. Allele origin: germline.
Comment: This sequence change replaces glutamine, which is neutral and polar, with histidine, which is basic and polar, at codon 1186 of the SAMD9L protein (p.Gln1186His). This variant is not present in population databases (gnomAD no frequency). This variant has not been reported in the literature in individuals affected with SAMD9L-related conditions. An algorithm developed to predict the effect of missense changes on protein structure and function (PolyPhen-2) suggests that this variant is likely to be disruptive. In summary, the available evidence is currently insufficient to determine the role of this variant in disease. Therefore, it has been classified as a Variant of Uncertain Significance.